The following is an entry in ClinVar:

NM_002582.4(PARN):c.1645C>T (p.Gln549Ter)

Gene: PARN (poly(A)-specific ribonuclease; minus strand). Cytogenetic location: 16p13.12.
Variant type: single nucleotide variant.
Coding change: c.1645C>T on transcript NM_002582.4 (MANE Select); coding-DNA position 1645, C replaced by T.
Protein change: p.Gln549Ter; replaces glutamine 549 with a stop codon.
Molecular consequence: nonsense.
Genome position (GRCh38, 1-based): chr16:14,482,663, G>A on the plus strand (C>T on the coding strand, the complement: PARN is on the minus strand). VCF-style: chr16-14482663-G-A. GRCh37 (hg19) VCF-style: chr16-14576520-G-A.
Other names: c.1462C>T, p.Gln488Ter (NM_001134477.3); c.1507C>T, p.Gln503Ter (NM_001242992.2); short protein forms Q503*, Q549*, Q488*.
Identifiers: ClinVar variation 2936222 (VCV002936222.3), dbSNP rs2506913635, ClinGen allele CA395183350.

ClinVar aggregate classification (germline): Pathogenic (1 of 4 stars; one submission).

Conditions:
Dyskeratosis congenita, autosomal recessive 6 (DKCB6). Identifiers: MedGen C4225356, MONDO:0014600, OMIM 616353.
Pulmonary fibrosis and/or bone marrow failure, Telomere-related, 4. Also called: PULMONARY FIBROSIS AND/OR BONE MARROW FAILURE SYNDROME, TELOMERE-RELATED, 4. Identifiers: Orphanet 2032, MedGen C4225347, MONDO:0014612, OMIM 616371.

gnomAD v4.1: 4 of 1,607,858 alleles (0.00025%); highest among the groups gnomAD compares: South Asian, 0.0045%; no homozygotes.

Submission:

Labcorp Genetics (formerly Invitae), Labcorp
Classification: Pathogenic for Dyskeratosis congenita, autosomal recessive 6; Pulmonary fibrosis and/or bone marrow failure, Telomere-related, 4. Last evaluated: 2023-10-22. Review status: criteria provided, single submitter. Criteria: Invitae Variant Classification Sherloc (09022015). Collection method: clinical testing. Allele origin: germline.
Comment: This sequence change creates a premature translational stop signal (p.Gln549*) in the PARN gene. It is expected to result in an absent or disrupted protein product. Loss-of-function variants in PARN are known to be pathogenic (PMID: 9736620, 25848748, 26810774). This variant is not present in population databases (gnomAD no frequency). This variant has not been reported in the literature in individuals affected with PARN-related conditions. For these reasons, this variant has been classified as Pathogenic.

Literature cited by the submitters: PubMed 9736620; PubMed 25848748; PubMed 26810774.